The following is an entry in ClinVar:

ClinVar aggregate classification (germline): Benign/Likely benign. Review status: criteria provided, multiple submitters, no conflicts (2 of 4 stars). 8 submissions from 7 submitters: Benign (4); Likely benign (3). 1 of the submissions does not count toward it. Last evaluated 2025-12-03.

Conditions:
MORC2-related disorder. Also called: MORC2-related condition.
Charcot-Marie-Tooth disease axonal type 2Z. Also called: CHARCOT-MARIE-TOOTH DISEASE, AXONAL, AUTOSOMAL DOMINANT, TYPE 2Z; CHARCOT-MARIE-TOOTH NEUROPATHY, TYPE 2Z. Identifiers: Orphanet 466768, MedGen C5569025, MONDO:0014736, OMIM 616688.
Developmental delay, impaired growth, dysmorphic facies, and axonal neuropathy. Identifiers: MedGen C5436781, MONDO:0030835, OMIM 619090.

Allele frequency attached by ClinVar (database versions not stated): TOPMed 0.00073; gnomAD 0.00076 and 0.00078; ESP Exome Variant Server 0.00092; gnomAD exomes 0.00147.
gnomAD v4.1: 2,240 of 1,613,832 alleles (0.14%); highest among the groups gnomAD compares: Non-Finnish European, 0.18%; 3 homozygotes.

Submissions (8):

Labcorp Genetics (formerly Invitae), Labcorp
Classification: Likely benign for Charcot-Marie-Tooth disease axonal type 2Z. Last evaluated: 2025-12-03. Review status: criteria provided, single submitter. Criteria: Invitae Variant Classification Sherloc (09022015). Collection method: clinical testing. Allele origin: germline.

CeGaT Center for Human Genetics Tuebingen
Classification: Likely benign. Last evaluated: 2025-05-01. Review status: criteria provided, single submitter. Criteria: CeGaT Center For Human Genetics Tuebingen Variant Classification Criteria Version 2. Collection method: clinical testing. Allele origin: germline. Affected: yes. Observed: 5 variant alleles.
Comment: MORC2: BP4, BP7

Blueprint Genetics
Classification: Likely benign. Last evaluated: 2024-11-27. Review status: criteria provided, single submitter. Criteria: ACMG Guidelines, 2015. Collection method: clinical testing. Allele origin: germline.

Mayo Clinic Laboratories, Mayo Clinic
Classification: Benign. Last evaluated: 2024-04-11. Review status: criteria provided, single submitter. Criteria: ACMG Guidelines, 2015. Collection method: clinical testing. Allele origin: germline. Observed: 5 variant alleles.
Comment: BS1, BS2, BP4, BP7

Genome-Nilou Lab
Classification: Benign for Charcot-Marie-Tooth disease axonal type 2Z. Last evaluated: 2022-03-15. Review status: criteria provided, single submitter. Criteria: ACMG Guidelines, 2015. Collection method: clinical testing. Allele origin: germline. Affected: no.

Genome-Nilou Lab
Classification: Benign for Developmental delay, impaired growth, dysmorphic facies, and axonal neuropathy. Last evaluated: 2022-03-15. Review status: criteria provided, single submitter. Criteria: ACMG Guidelines, 2015. Collection method: clinical testing. Allele origin: germline. Affected: no.

GeneDx
Classification: Benign. Last evaluated: 2020-04-09. Review status: criteria provided, single submitter. Criteria: GeneDx Variant Classification Process June 2021. Collection method: clinical testing. Allele origin: germline. Affected: yes.

PreventionGenetics, part of Exact Sciences
Classification: Likely benign for MORC2-related condition. Last evaluated: 2019-05-30. Review status: no assertion criteria provided. Collection method: clinical testing. Allele origin: germline. Not counted in ClinVar's aggregate classification.
Comment: This variant is classified as likely benign based on ACMG/AMP sequence variant interpretation guidelines (Richards et al. 2015 PMID: 25741868, with internal and published modifications).

NM_001303256.3(MORC2):c.1768C>T (p.Leu590=)

Gene: MORC2 (MORC family CW-type zinc finger 2; minus strand). Cytogenetic location: 22q12.2.
Variant type: single nucleotide variant.
Coding change: c.1768C>T on transcript NM_001303256.3 (MANE Select); coding-DNA position 1768, C replaced by T.
Protein change: p.Leu590=; no amino-acid change (leucine 590 retained).
Molecular consequence: synonymous variant.
Genome position (GRCh38, 1-based): chr22:30,935,292, G>A on the plus strand (C>T on the coding strand, the complement: MORC2 is on the minus strand). VCF-style: chr22-30935292-G-A. GRCh37 (hg19) VCF-style: chr22-31331279-G-A.
Other names: p.Leu590=; c.1768C>T, p.Leu590= (NM_001303257.2); c.1582C>T, p.Leu528= (NM_014941.3).
Identifiers: ClinVar variation 475576 (VCV000475576.43), dbSNP rs146972491, ClinGen allele CA10186851.